The following is an entry in ClinVar:

ClinVar aggregate classification (germline): Uncertain significance. Review status: criteria provided, multiple submitters, no conflicts (2 of 4 stars). 4 submissions from 3 submitters: Uncertain significance (4). Last evaluated 2025-04-21.

Conditions:
Cardiovascular phenotype. Identifiers: MedGen CN230736.
Hereditary cancer-predisposing syndrome. Also called: Hereditary Cancer Syndrome; Hereditary neoplastic syndrome; Tumor predisposition; Neoplastic Syndromes, Hereditary. Identifiers: Orphanet 140162, MedGen C0027672, MeSH D009386, MONDO:0015356.
Neurofibromatosis, type 1 (NF1). Also called: VON RECKLINGHAUSEN DISEASE; NEUROFIBROMATOSIS, TYPE I, SOMATIC; Peripheral type neurofibromatosis; Neurofibromatosis, type I. Identifiers: Orphanet 636, MedGen C0027831, MONDO:0018975, OMIM 162200. Disease mechanism: loss of function.

Allele frequency attached by ClinVar (database versions not stated): gnomAD exomes below 0.00001; TOPMed below 0.00001.
gnomAD v4.1: 3 of 1,614,114 alleles (0.00019%); highest among the groups gnomAD compares: East Asian, 0.0022%; no homozygotes.

Submissions (4):

Labcorp Genetics (formerly Invitae), Labcorp
Classification: Uncertain significance for Neurofibromatosis, type 1. Last evaluated: 2025-04-21. Review status: criteria provided, single submitter. Criteria: Invitae Variant Classification Sherloc (09022015). Collection method: clinical testing. Allele origin: germline.
Comment: This sequence change replaces aspartic acid, which is acidic and polar, with asparagine, which is neutral and polar, at codon 1651 of the NF1 protein (p.Asp1651Asn). This variant is present in population databases (no rsID available, gnomAD 0.006%). This variant has not been reported in the literature in individuals affected with NF1-related conditions. ClinVar contains an entry for this variant (Variation ID: 457735). Invitae Evidence Modeling of protein sequence and biophysical properties (such as structural, functional, and spatial information, amino acid conservation, physicochemical variation, residue mobility, and thermodynamic stability) indicates that this missense variant is not expected to disrupt NF1 protein function with a negative predictive value of 95%. In summary, the available evidence is currently insufficient to determine the role of this variant in disease. Therefore, it has been classified as a Variant of Uncertain Significance.

Genome-Nilou Lab
Classification: Uncertain significance for Neurofibromatosis, type 1. Last evaluated: 2022-03-15. Review status: criteria provided, single submitter. Criteria: ACMG Guidelines, 2015. Collection method: clinical testing. Allele origin: germline. Affected: no.

Ambry Genetics
Classification: Uncertain significance for Cardiovascular phenotype; Hereditary cancer-predisposing syndrome. Last evaluated: 2019-09-23. Review status: criteria provided, single submitter. Criteria: Ambry Variant Classification Scheme 2023. Collection method: clinical testing. Allele origin: germline.

Ambry Genetics
Classification: Uncertain significance for Hereditary cancer-predisposing syndrome. Last evaluated: 2016-01-29. Review status: criteria provided, single submitter. Criteria: Ambry Autosomal Dominant and X-Linked criteria (10/2015). Collection method: clinical testing. Allele origin: germline. Observed: 1 variant allele.
Comment: The p.D1672N variant (also known as c.5014G>A), located in coding exon 37 of the NF1 gene, results from a G to A substitution at nucleotide position 5014. The aspartic acid at codon 1672 is replaced by asparagine, an amino acid with highly similar properties. This variant was not reported in population based cohorts in the following databases: Database of Single Nucleotide Polymorphisms (dbSNP), NHLBI Exome Sequencing Project (ESP), and 1000 Genomes Project. In the ESP, this variant was not observed in 6503 samples (13006 alleles) with coverage at this position. To date, this alteration has been detected with an allele frequency of approximately 0.001% (greater than 110000alleles tested) in our clinical cohort.This amino acid position is not well conserved in available vertebrate species. In addition, this alteration is predicted to be tolerated by in silico analysis.Since supporting evidence is limited at this time, the clinical significance of this alterationremains unclear.

NM_001042492.3(NF1):c.5014G>A (p.Asp1672Asn)

Gene: NF1 (neurofibromin 1; plus strand). Cytogenetic location: 17q11.2.
Variant type: single nucleotide variant.
Coding change: c.5014G>A on transcript NM_001042492.3 (MANE Select); coding-DNA position 5014, G replaced by A.
Protein change: p.Asp1672Asn; replaces aspartic acid 1672 with asparagine.
Molecular consequence: missense variant.
Genome position (GRCh38, 1-based): chr17:31,325,998, G>A. VCF-style: chr17-31325998-G-A. GRCh37 (hg19) VCF-style: chr17-29653016-G-A.
Other names: c.4951G>A, p.Asp1651Asn (NM_000267.4); short protein forms D1672N, D1651N.
Identifiers: ClinVar variation 457735 (VCV000457735.13), dbSNP rs1483541195, ClinGen allele CA399007317.
Genomic context (GRCh38, chr17:31,325,998, plus strand): 5'-AATCGCTTTAAAACAGACTTTCTCTCTAAGTGGTTTGTTGTTTTTCCTGGCTTTGCTTAC[G>A]ACAACGTCTCCGCAGTCTATATCTATAACTGTAACTCCTGGGTCAGGGAGTACACCAAGT-3'
Protein context (NP_001035957.1, residues 1662-1682): WFVVFPGFAY[Asp1672Asn]NVSAVYIYNC